The following is an entry in ClinVar:

ClinVar aggregate classification (germline): Likely benign (0 of 4 stars; one submission).

Conditions:
SCRIB-related disorder. Also called: SCRIB-related condition.

Allele frequency attached by ClinVar (database versions not stated): ESP Exome Variant Server 0.00015; ExAC 0.00016.
gnomAD v4.1: 855 of 1,610,570 alleles (0.053%); highest among the groups gnomAD compares: Non-Finnish European, 0.067%; 1 homozygote.

Submission:

PreventionGenetics, part of Exact Sciences
Classification: Likely benign for SCRIB-related condition. Last evaluated: 2021-01-29. Review status: no assertion criteria provided. Collection method: clinical testing. Allele origin: germline.
Comment: This variant is classified as likely benign based on ACMG/AMP sequence variant interpretation guidelines (Richards et al. 2015 PMID: 25741868, with internal and published modifications).

NM_182706.5(SCRIB):c.907-4C>T

Gene: SCRIB (scribble planar cell polarity protein; minus strand). Cytogenetic location: 8q24.3.
Variant type: single nucleotide variant.
Coding change: c.907-4C>T on transcript NM_182706.5 (MANE Select); 4 bases into the intron before coding-DNA position 907, C replaced by T.
Molecular consequence: intron variant.
Genome position (GRCh38, 1-based): chr8:143,811,349, G>A on the plus strand (C>T on the coding strand, the complement: SCRIB is on the minus strand). VCF-style: chr8-143811349-G-A. GRCh37 (hg19) VCF-style: chr8-144893519-G-A.
Other names: c.907-4C>T (NM_015356.5).
Identifiers: ClinVar variation 3048411 (VCV003048411.2), dbSNP rs200867608, ClinGen allele CA187611435.